The following is an entry in ClinVar:

ClinVar aggregate classification (germline): Uncertain significance. Review status: criteria provided, single submitter (1 of 4 stars). 2 submissions from 2 submitters: Uncertain significance (1). 1 of the submissions does not count toward it. Last evaluated 2025-04-08.

Conditions:
SIRT1-related disorder. Also called: SIRT1-related condition.

Submissions (2):

Labcorp Genetics (formerly Invitae), Labcorp
Classification: Uncertain significance. Last evaluated: 2025-04-08. Review status: criteria provided, single submitter. Criteria: Invitae Variant Classification Sherloc (09022015). Collection method: clinical testing. Allele origin: germline.
Comment: This variant, c.415_417del, results in the deletion of 1 amino acid(s) of the SIRT1 protein (p.Ala139del), but otherwise preserves the integrity of the reading frame. The frequency data for this variant in the population databases is considered unreliable, as metrics indicate poor data quality at this position in the gnomAD database. This variant has not been reported in the literature in individuals affected with SIRT1-related conditions. Experimental studies and prediction algorithms are not available or were not evaluated, and the functional significance of this variant is currently unknown. In summary, the available evidence is currently insufficient to determine the role of this variant in disease. Therefore, it has been classified as a Variant of Uncertain Significance.

PreventionGenetics, part of Exact Sciences
Classification: Likely benign for SIRT1-related condition. Last evaluated: 2023-05-11. Review status: no assertion criteria provided. Collection method: clinical testing. Allele origin: germline. Not counted in ClinVar's aggregate classification.
Comment: This variant is classified as likely benign based on ACMG/AMP sequence variant interpretation guidelines (Richards et al. 2015 PMID: 25741868, with internal and published modifications).

NM_012238.5(SIRT1):c.403GCG[4] (p.Ala139del)

Gene: SIRT1 (sirtuin 1; plus strand). Cytogenetic location: 10q21.3.
Variant type: Microsatellite.
Coding change: c.403GCG[4] on transcript NM_012238.5 (MANE Select); four copies in a row of the 3-base unit GCG starting at c.403; the reference has five copies in a row; one copy, 3 bases deleted.
Protein change: p.Ala139del; deletes alanine 139.
Molecular consequence: inframe deletion.
Genome position (GRCh38, 1-based): chr10:67,885,136-67,885,138, GCG deleted; deleting any 3 consecutive bases within chr10:67,885,123-67,885,138 gives the same sequence; the position shown is the placement nearest the transcript's 3' end. VCF-style (leftmost placement, unchanged base first): chr10-67885122-AGGC-A. GRCh37 (hg19) VCF-style: chr10-69644880-AGGC-A.
Other names: c.415_417delGCG (NM_012238.4); short protein forms A139del.
Identifiers: ClinVar variation 2717509 (VCV002717509.5), dbSNP rs36062014, ClinGen allele CA5520990.